The following is an entry in ClinVar:

ClinVar aggregate classification (germline): Pathogenic/Likely pathogenic. Review status: criteria provided, multiple submitters, no conflicts (2 of 4 stars). 2 submissions from 2 submitters: Pathogenic (1); Likely pathogenic (1). Last evaluated 2023-12-07.

Conditions:
Autosomal recessive spinocerebellar ataxia 17. Identifiers: Orphanet 453521, MedGen C4015301, MONDO:0014503, OMIM 616127.

Submissions (2):

3billion
Classification: Pathogenic for Autosomal recessive spinocerebellar ataxia 17. Last evaluated: 2023-12-07. Review status: criteria provided, single submitter. Criteria: ACMG Guidelines, 2015. Collection method: clinical testing. Allele origin: germline. Affected: yes.
Comment: The variant is not observed in the gnomAD v2.1.1 dataset. Predicted Consequence/Location: Frameshift: predicted to result in a loss or disruption of normal protein function through nonsense-mediated decay (NMD) or protein truncation. Multiple pathogenic variants are reported downstream of the variant. The variant has been reported to be associated with CWF19L1 related disorder (ClinVar ID: VCV000813893). Therefore, this variant is classified as Pathogenic according to the recommendation of ACMG/AMP guideline.

Broad Center for Mendelian Genomics, Broad Institute of MIT and Harvard
Classification: Likely pathogenic for Autosomal recessive spinocerebellar ataxia 17. Last evaluated: 2018-12-03. Review status: criteria provided, single submitter. Criteria: ACMG Guidelines, 2015. Collection method: research. Allele origin: germline. Inheritance: Autosomal recessive inheritance. Affected: yes.
Comment: The p.Lys387GlufsTer3 variant in CWF19L1 has not been previously reported in individuals with spinocerebellar ataxia and was absent from large population studies. This variant is predicted to cause a frameshift, which alters the protein's amino acid sequence beginning at position 387 and leads to a premature termination codon 3 amino acids downstream. This alteration is then predicted to lead to a truncated or absent protein. A knock-out zebrafish model for the CWF19L1 gene has a phenotype that matches spinocerebellar ataxia and at least two loss of function variants across multiple exons have been reported in association with spinocerebellar ataxiain the literature (PMID: 25361784, 27016154, 26197978). Loss of function of the CWF19L1 gene is a moderately established disease mechanism in autosomal recessive Spinocerebellar Ataxia. In summary, although additional studies are required to fully establish its clinical significance, this variant is likely pathogenic. ACMG/AMP Criteria applied: PM2, PVS1_Strong (Richards 2015).

Literature cited by the submitters: PubMed 25361784 (cited by Broad Center for Mendelian Genomics, Broad Institute of MIT and Harvard); PubMed 27016154 (cited by Broad Center for Mendelian Genomics, Broad Institute of MIT and Harvard); PubMed 26197978 (cited by Broad Center for Mendelian Genomics, Broad Institute of MIT and Harvard).

NM_018294.6(CWF19L1):c.1158dup (p.Lys387fs)

Gene: CWF19L1 (CWF19 like cell cycle control factor 1; minus strand). Cytogenetic location: 10q24.31.
Variant type: Duplication.
Coding change: c.1158dup on transcript NM_018294.6 (MANE Select); coding-DNA position 1158, one base duplicated (G; older notation c.1158dupG).
Protein change: p.Lys387fs; shifts the reading frame from lysine 387.
Molecular consequence: frameshift variant.
Genome position (GRCh38, 1-based): chr10:100,238,118, C duplicated on the plus strand (G on the coding strand, the reverse complement: CWF19L1 is on the minus strand). VCF-style (leftmost placement, unchanged base first): chr10-100238117-T-TC. GRCh37 (hg19) VCF-style: chr10-101997874-T-TC.
Other names: c.1158dup, p.Lys387fs (NM_001303404.2); c.747dup, p.Lys250fs (NM_001303405.2, NM_001303406.2); c.423dup, p.Lys142fs (NM_001303407.2); short protein forms K142fs, K250fs, K387fs.
Identifiers: ClinVar variation 813893 (VCV000813893.2), dbSNP rs1589611043, ClinGen allele CA658820766.
Genomic context (GRCh38, chr10:100,238,117, plus strand): 5'-CAAATACAACACACCATTTCCCTCGACTCTTAAAGAACCGTCTCAGAGTGGCCTTATACT[T>TC]CTCCACCTCTTCTACCACCTCTGCTGAAAGCTCCACCACTGACTGGTAGTGTCCAATAGG-3'